The following is an entry in ClinVar:

NM_005751.5(AKAP9):c.9956A>G (p.Glu3319Gly)

Gene: AKAP9 (A-kinase anchoring protein 9; plus strand). Cytogenetic location: 7q21.2.
Variant type: single nucleotide variant.
Coding change: c.9956A>G on transcript NM_005751.5 (MANE Select); coding-DNA position 9956, A replaced by G.
Protein change: p.Glu3319Gly; replaces glutamic acid 3319 with glycine.
Molecular consequence: missense variant.
Genome position (GRCh38, 1-based): chr7:92,096,915, A>G. VCF-style: chr7-92096915-A-G. GRCh37 (hg19) VCF-style: chr7-91726229-A-G.
Other names: c.4601A>G, p.Glu1534Gly (NM_001379277.1); c.9932A>G, p.Glu3311Gly (NM_147185.3); short protein forms E1534G, E3311G, E3319G.
Identifiers: ClinVar variation 2626289 (VCV002626289.3), dbSNP rs1400955269, ClinGen allele CA368152265.

ClinVar aggregate classification (germline): Uncertain significance (1 of 4 stars; one submission).

Conditions:
Cardiovascular phenotype. Identifiers: MedGen CN230736.

Allele frequency attached by ClinVar (database versions not stated): gnomAD exomes 0.00001.
gnomAD v4.1: 3 of 1,614,222 alleles (0.00019%); highest among the groups gnomAD compares: South Asian, 0.0033%; 1 homozygote.

Submission:

Ambry Genetics
Classification: Uncertain significance for Cardiovascular phenotype. Last evaluated: 2025-12-16. Review status: criteria provided, single submitter. Criteria: Ambry Variant Classification Scheme 2023. Collection method: clinical testing. Allele origin: germline.
Comment: The p.E3319G variant (also known as c.9956A>G), located in coding exon 41 of the AKAP9 gene, results from an A to G substitution at nucleotide position 9956. The glutamic acid at codon 3319 is replaced by glycine, an amino acid with similar properties. This amino acid position is conserved. In addition, this alteration is predicted to be tolerated by in silico analysis. Since supporting evidence is limited at this time, the clinical significance of this alteration remains unclear.